The following is an entry in ClinVar:

ClinVar aggregate classification (germline): Conflicting classifications of pathogenicity. Review status: criteria provided, conflicting classifications (1 of 4 stars). 2 submissions from 2 submitters: Uncertain significance (1); Likely benign (1). Last evaluated 2024-10-30.

gnomAD v4.1: 35 of 1,613,452 alleles (0.0022%); highest among the groups gnomAD compares: Middle Eastern, 0.033%; no homozygotes.

Submissions (2):

Athena Diagnostics
Classification: Uncertain significance. Last evaluated: 2024-10-30. Review status: criteria provided, single submitter. Criteria: Athena Diagnostics Criteria. Collection method: clinical testing. Allele origin: unknown.
Comment: Available data are insufficient to determine the clinical significance of the variant at this time. The frequency of this variant in the general population is uninformative in assessment of its pathogenicity. Polyphen and MutationTaster predict this amino acid change may be benign.

Blueprint Genetics
Classification: Likely benign. Last evaluated: 2024-09-02. Review status: criteria provided, single submitter. Criteria: ACMG Guidelines, 2015. Collection method: clinical testing. Allele origin: germline.

NM_033305.3(VPS13A):c.1007A>G (p.His336Arg)

Gene: VPS13A (vacuolar protein sorting 13 homolog A; plus strand). Cytogenetic location: 9q21.2.
Variant type: single nucleotide variant.
Coding change: c.1007A>G on transcript NM_033305.3 (MANE Select); coding-DNA position 1007, A replaced by G.
Protein change: p.His336Arg; replaces histidine 336 with arginine.
Molecular consequence: missense variant.
Genome position (GRCh38, 1-based): chr9:77,221,202, A>G. VCF-style: chr9-77221202-A-G. GRCh37 (hg19) VCF-style: chr9-79836118-A-G.
Other names: c.1007A>G, p.His336Arg (NM_001018037.2, NM_001018038.3, NM_015186.4); short protein forms H336R.
Identifiers: ClinVar variation 3571861 (VCV003571861.2).